The following is an entry in ClinVar:

NM_198253.3(TERT):c.389C>T (p.Ala130Val)

Gene: TERT (telomerase reverse transcriptase; minus strand). Cytogenetic location: 5p15.33.
Variant type: single nucleotide variant.
Coding change: c.389C>T on transcript NM_198253.3 (MANE Select); coding-DNA position 389, C replaced by T.
Protein change: p.Ala130Val; replaces alanine 130 with valine.
Molecular consequence: missense variant. On other transcripts: non-coding transcript variant (2).
Genome position (GRCh38, 1-based): chr5:1,294,497, G>A on the plus strand (C>T on the coding strand, the complement: TERT is on the minus strand). VCF-style: chr5-1294497-G-A. GRCh37 (hg19) VCF-style: chr5-1294612-G-A.
Other names: c.389C>T, p.Ala130Val (NM_001193376.3, NM_003219.1); short protein forms A130V.
Identifiers: ClinVar variation 2926219 (VCV002926219.3), dbSNP rs1751253944, ClinGen allele CA359058127.

ClinVar aggregate classification (germline): Likely pathogenic (1 of 4 stars; one submission).

Conditions:
Dyskeratosis congenita, autosomal dominant 2. Identifiers: MedGen C3151443, MONDO:0013521, OMIM 613989.
Idiopathic Pulmonary Fibrosis. Also called: Idiopathic fibrosing alveolitis, chronic form; idiopathic fibrosing alveolitis. Identifiers: Orphanet 2032, MedGen C1800706, MeSH D054990, MONDO:0800504.

Allele frequency attached by ClinVar (database versions not stated): TOPMed 0.00001.

Submission:

Labcorp Genetics (formerly Invitae), Labcorp
Classification: Likely pathogenic for Dyskeratosis congenita, autosomal dominant 2; Idiopathic Pulmonary Fibrosis. Last evaluated: 2025-03-17. Review status: criteria provided, single submitter. Criteria: Invitae Variant Classification Sherloc (09022015). Collection method: clinical testing. Allele origin: germline.
Comment: This sequence change replaces alanine, which is neutral and non-polar, with valine, which is neutral and non-polar, at codon 130 of the TERT protein (p.Ala130Val). This variant is not present in population databases (gnomAD no frequency). This missense change has been observed in individuals with aplastic anemia and cirrhosis and/or idiopathic pulmonary fibrosis (PMID: 30523342; internal data). ClinVar contains an entry for this variant (Variation ID: 2926219). Invitae Evidence Modeling of protein sequence and biophysical properties (such as structural, functional, and spatial information, amino acid conservation, physicochemical variation, residue mobility, and thermodynamic stability) indicates that this missense variant is expected to disrupt TERT protein function with a positive predictive value of 95%. In summary, the currently available evidence indicates that the variant is pathogenic, but additional data are needed to prove that conclusively. Therefore, this variant has been classified as Likely Pathogenic.

Literature cited by the submitters: PubMed 30523342.